The following is an entry in ClinVar:

ClinVar aggregate classification (germline): Likely pathogenic. Review status: criteria provided, single submitter (1 of 4 stars). 2 submissions from 2 submitters: Likely pathogenic (1). 1 of the submissions does not count toward it. Last evaluated 2024-03-11.

Conditions:
RYR1-related disorder. Also called: RYR1-related condition; RYR1-related disorders. Identifiers: MedGen CN239331.

Submissions (2):

Labcorp Genetics (formerly Invitae), Labcorp
Classification: Likely pathogenic for RYR1-related disorder. Last evaluated: 2024-03-11. Review status: criteria provided, single submitter. Criteria: Invitae Variant Classification Sherloc (09022015). Collection method: clinical testing. Allele origin: germline.
Comment: This sequence change replaces valine, which is neutral and non-polar, with phenylalanine, which is neutral and non-polar, at codon 4927 of the RYR1 protein (p.Val4927Phe). This variant is not present in population databases (gnomAD no frequency). This missense change has been observed in individuals with clinical features of autosomal dominant central core disease (PMID: 16917943; Invitae). ClinVar contains an entry for this variant (Variation ID: 133091). Advanced modeling of protein sequence and biophysical properties (such as structural, functional, and spatial information, amino acid conservation, physicochemical variation, residue mobility, and thermodynamic stability) performed at Invitae indicates that this missense variant is expected to disrupt RYR1 protein function with a positive predictive value of 95%. In summary, the currently available evidence indicates that the variant is pathogenic, but additional data are needed to prove that conclusively. Therefore, this variant has been classified as Likely Pathogenic.

RYR1 database
No classification provided. Review status: no classification provided. Collection method: not provided. Allele origin: unknown. Not counted in ClinVar's aggregate classification.

Literature cited by the submitters: PubMed 16917943 (cited by Labcorp Genetics (formerly Invitae), Labcorp).

NM_000540.3(RYR1):c.14779G>T (p.Val4927Phe)

Gene: RYR1 (ryanodine receptor 1; plus strand). Cytogenetic location: 19q13.2.
Variant type: single nucleotide variant.
Coding change: c.14779G>T on transcript NM_000540.3 (MANE Select); coding-DNA position 14779, G replaced by T.
Protein change: p.Val4927Phe; replaces valine 4927 with phenylalanine.
Molecular consequence: missense variant.
Genome position (GRCh38, 1-based): chr19:38,585,075, G>T. VCF-style: chr19-38585075-G-T. GRCh37 (hg19) VCF-style: chr19-39075715-G-T.
Other names: c.14764G>T, p.Val4922Phe (NM_001042723.2); short protein forms V4927F, V4922F.
Identifiers: ClinVar variation 133091 (VCV000133091.6), dbSNP rs193922892, ClinGen allele CA024257.